The following is an entry in ClinVar:

ClinVar aggregate classification (germline): Benign. Review status: criteria provided, multiple submitters, no conflicts (2 of 4 stars). 4 submissions from 4 submitters: Benign (3). 1 of the submissions does not count toward it. Last evaluated 2025-02-16.

Conditions:
GATB-related disorder. Also called: GATB-related condition.
Combined oxidative phosphorylation deficiency 41. Identifiers: MedGen C5394236, MONDO:0030007, OMIM 618838.

Submissions (29):

Laboratory of Genetics, Children's Clinical University Hospital Latvia
Classification: Benign. Last evaluated: 2025-02-16. Review status: criteria provided, single submitter. Criteria: ACMG Guidelines, 2015. Collection method: clinical testing. Allele origin: germline. Affected: yes.

Genome-Nilou Lab
Classification: Benign for Combined oxidative phosphorylation deficiency 41. Last evaluated: 2021-09-05. Review status: criteria provided, single submitter. Criteria: ACMG Guidelines, 2015. Collection method: clinical testing. Allele origin: germline. Affected: no.

GeneDx
Classification: Benign. Last evaluated: 2021-05-04. Review status: criteria provided, single submitter. Criteria: GeneDx Variant Classification Process June 2021. Collection method: clinical testing. Allele origin: germline. Affected: yes.

PreventionGenetics, part of Exact Sciences
Classification: Benign for GATB-related condition. Last evaluated: 2019-11-12. Review status: no assertion criteria provided. Collection method: clinical testing. Allele origin: germline. Not counted in ClinVar's aggregate classification.
Comment: This variant is classified as benign based on ACMG/AMP sequence variant interpretation guidelines (Richards et al. 2015 PMID: 25741868, with internal and published modifications).

Dr. Peter K. Rogan Lab, Western University
No classification provided (evidence only). Condition: Chronic lymphocytic leukemia/small lymphocytic lymphoma. Review status: no classification provided. Collection method: in vitro. Allele origin: not applicable. Functional consequence: retained intron. Not counted in ClinVar's aggregate classification.

Dr. Peter K. Rogan Lab, Western University
No classification provided (evidence only). Condition: Chronic lymphocytic leukemia/small lymphocytic lymphoma. Review status: no classification provided. Collection method: in vitro. Allele origin: not applicable. Functional consequence: retained intron. Not counted in ClinVar's aggregate classification.

Dr. Peter K. Rogan Lab, Western University
No classification provided (evidence only). Condition: Chronic lymphocytic leukemia/small lymphocytic lymphoma. Review status: no classification provided. Collection method: in vitro. Allele origin: not applicable. Functional consequence: retained intron. Not counted in ClinVar's aggregate classification.

Dr. Peter K. Rogan Lab, Western University
No classification provided (evidence only). Condition: Chronic lymphocytic leukemia/small lymphocytic lymphoma. Review status: no classification provided. Collection method: in vitro. Allele origin: not applicable. Functional consequence: retained intron. Not counted in ClinVar's aggregate classification.

Dr. Peter K. Rogan Lab, Western University
No classification provided (evidence only). Condition: Chronic lymphocytic leukemia/small lymphocytic lymphoma. Review status: no classification provided. Collection method: in vitro. Allele origin: not applicable. Functional consequence: retained intron. Not counted in ClinVar's aggregate classification.

Dr. Peter K. Rogan Lab, Western University
No classification provided (evidence only). Condition: Chronic lymphocytic leukemia/small lymphocytic lymphoma. Review status: no classification provided. Collection method: in vitro. Allele origin: not applicable. Functional consequence: retained intron. Not counted in ClinVar's aggregate classification.

Dr. Peter K. Rogan Lab, Western University
No classification provided (evidence only). Condition: Chronic lymphocytic leukemia/small lymphocytic lymphoma. Review status: no classification provided. Collection method: in vitro. Allele origin: not applicable. Functional consequence: retained intron. Not counted in ClinVar's aggregate classification.

Dr. Peter K. Rogan Lab, Western University
No classification provided (evidence only). Condition: Chronic lymphocytic leukemia/small lymphocytic lymphoma. Review status: no classification provided. Collection method: in vitro. Allele origin: not applicable. Functional consequence: retained intron. Not counted in ClinVar's aggregate classification.

Dr. Peter K. Rogan Lab, Western University
No classification provided (evidence only). Condition: Chronic lymphocytic leukemia/small lymphocytic lymphoma. Review status: no classification provided. Collection method: in vitro. Allele origin: not applicable. Functional consequence: retained intron. Not counted in ClinVar's aggregate classification.

Dr. Peter K. Rogan Lab, Western University
No classification provided (evidence only). Condition: Chronic lymphocytic leukemia/small lymphocytic lymphoma. Review status: no classification provided. Collection method: in vitro. Allele origin: not applicable. Functional consequence: retained intron. Not counted in ClinVar's aggregate classification.

Dr. Peter K. Rogan Lab, Western University
No classification provided (evidence only). Condition: Chronic lymphocytic leukemia/small lymphocytic lymphoma. Review status: no classification provided. Collection method: in vitro. Allele origin: not applicable. Functional consequence: retained intron. Not counted in ClinVar's aggregate classification.

Dr. Peter K. Rogan Lab, Western University
No classification provided (evidence only). Condition: Nonpapillary renal cell carcinoma. Review status: no classification provided. Collection method: in vitro. Allele origin: not applicable. Functional consequence: retained intron. Not counted in ClinVar's aggregate classification.

Dr. Peter K. Rogan Lab, Western University
No classification provided (evidence only). Condition: Nonpapillary renal cell carcinoma. Review status: no classification provided. Collection method: in vitro. Allele origin: not applicable. Functional consequence: retained intron. Not counted in ClinVar's aggregate classification.

Dr. Peter K. Rogan Lab, Western University
No classification provided (evidence only). Condition: Nonpapillary renal cell carcinoma. Review status: no classification provided. Collection method: in vitro. Allele origin: not applicable. Functional consequence: retained intron. Not counted in ClinVar's aggregate classification.

Dr. Peter K. Rogan Lab, Western University
No classification provided (evidence only). Condition: Nonpapillary renal cell carcinoma. Review status: no classification provided. Collection method: in vitro. Allele origin: not applicable. Functional consequence: retained intron. Not counted in ClinVar's aggregate classification.

Dr. Peter K. Rogan Lab, Western University
No classification provided (evidence only). Condition: Nonpapillary renal cell carcinoma. Review status: no classification provided. Collection method: in vitro. Allele origin: not applicable. Functional consequence: retained intron. Not counted in ClinVar's aggregate classification.

Dr. Peter K. Rogan Lab, Western University
No classification provided (evidence only). Condition: Nonpapillary renal cell carcinoma. Review status: no classification provided. Collection method: in vitro. Allele origin: not applicable. Functional consequence: retained intron. Not counted in ClinVar's aggregate classification.

Dr. Peter K. Rogan Lab, Western University
No classification provided (evidence only). Condition: Nonpapillary renal cell carcinoma. Review status: no classification provided. Collection method: in vitro. Allele origin: not applicable. Functional consequence: retained intron. Not counted in ClinVar's aggregate classification.

Dr. Peter K. Rogan Lab, Western University
No classification provided (evidence only). Condition: Nonpapillary renal cell carcinoma. Review status: no classification provided. Collection method: in vitro. Allele origin: not applicable. Functional consequence: retained intron. Not counted in ClinVar's aggregate classification.

Dr. Peter K. Rogan Lab, Western University
No classification provided (evidence only). Condition: Nonpapillary renal cell carcinoma. Review status: no classification provided. Collection method: in vitro. Allele origin: not applicable. Functional consequence: retained intron. Not counted in ClinVar's aggregate classification.

Dr. Peter K. Rogan Lab, Western University
No classification provided (evidence only). Condition: Hepatocellular carcinoma. Review status: no classification provided. Collection method: in vitro. Allele origin: not applicable. Functional consequence: retained intron. Not counted in ClinVar's aggregate classification.

Dr. Peter K. Rogan Lab, Western University
No classification provided (evidence only). Condition: Hepatocellular carcinoma. Review status: no classification provided. Collection method: in vitro. Allele origin: not applicable. Functional consequence: retained intron. Not counted in ClinVar's aggregate classification.

Dr. Peter K. Rogan Lab, Western University
No classification provided (evidence only). Condition: Hepatocellular carcinoma. Review status: no classification provided. Collection method: in vitro. Allele origin: not applicable. Functional consequence: retained intron. Not counted in ClinVar's aggregate classification.

Dr. Peter K. Rogan Lab, Western University
No classification provided (evidence only). Condition: Lymphoma. Review status: no classification provided. Collection method: in vitro. Allele origin: not applicable. Functional consequence: retained intron. Not counted in ClinVar's aggregate classification.

Dr. Peter K. Rogan Lab, Western University
No classification provided (evidence only). Condition: Lymphoma. Review status: no classification provided. Collection method: in vitro. Allele origin: not applicable. Functional consequence: skipped exon. Not counted in ClinVar's aggregate classification.

NM_004564.3(GATB):c.1198-6del

Gene: GATB (glutamyl-tRNA amidotransferase subunit B; minus strand). Cytogenetic location: 4q31.3.
Variant type: Deletion.
Coding change: c.1198-6del on transcript NM_004564.3 (MANE Select); 6 bases into the intron before coding-DNA position 1198, one base deleted (T; older notation c.1198-6delT).
Molecular consequence: intron variant.
Genome position (GRCh38, 1-based): chr4:151,688,769, A deleted on the plus strand (T on the coding strand, the reverse complement: GATB is on the minus strand); the first of 13 consecutive A bases (chr4:151,688,769-151,688,781); deleting any one gives the same sequence. VCF-style (leftmost placement, unchanged base first): chr4-151688768-TA-T. GRCh37 (hg19) VCF-style: chr4-152609920-TA-T.
Other names: NC_000004.11:g.152609933del; c.1198-6del (NM_001363341.2); c.1198-6delT (NM_004564.2); c.1198-18del (NM_004564.3).
Identifiers: ClinVar variation 1252303 (VCV001252303.8), dbSNP rs11292952, ClinGen allele CA3105652.